The following is an entry in ClinVar:

NM_024426.6(WT1):c.1160C>G (p.Ala387Gly)

Gene: WT1 (WT1 transcription factor; minus strand). Cytogenetic location: 11p13.
Variant type: single nucleotide variant.
Coding change: c.1160C>G on transcript NM_024426.6 (MANE Select); coding-DNA position 1160, C replaced by G.
Protein change: p.Ala387Gly; replaces alanine 387 with glycine.
Molecular consequence: missense variant. On other transcripts: 5 prime UTR variant (1), non-coding transcript variant (2).
Genome position (GRCh38, 1-based): chr11:32,396,361, G>C on the plus strand (C>G on the coding strand, the complement: WT1 is on the minus strand). VCF-style: chr11-32396361-G-C. GRCh37 (hg19) VCF-style: chr11-32417907-G-C.
Other names: c.1109C>G, p.Ala370Gly (NM_000378.6, NM_001407045.1, NM_001407048.1 and 1 more transcripts); c.509C>G, p.Ala170Gly (NM_001198551.2); c.458C>G, p.Ala153Gly (NM_001198552.2); c.-29C>G (NM_001367854.1); c.1154C>G, p.Ala385Gly (NM_001407044.1); c.1160C>G, p.Ala387Gly (NM_001407046.1, NM_024424.5); c.1037C>G, p.Ala346Gly (NM_001407047.1); c.986C>G, p.Ala329Gly (NM_001407050.1); and 3 more; short protein forms A387G, A170G, A297G, A314G, A382G, A346G, A370G, A133G.
Identifiers: ClinVar variation 4789403 (VCV004789403.1).

ClinVar aggregate classification (germline): Uncertain significance (1 of 4 stars; one submission).

Conditions:
Wilms tumor 1 (WT1). Also called: Wilms tumor, somatic. Identifiers: Orphanet 654, MedGen CN033288, MONDO:0008679, OMIM 194070.
11p partial monosomy syndrome (WAGR). Also called: CHROMOSOME 11p13 DELETION SYNDROME; WAGR syndrome; WAGR Complex; WAGR Spectrum Disorder. Identifiers: Orphanet 893, MedGen C0206115, MONDO:0008681, OMIM 194072.
Frasier syndrome. Identifiers: Orphanet 347, MedGen C0950122, MeSH D052159, MONDO:0007635, OMIM 136680.
Drash syndrome (DDS). Also called: NEPHROPATHY, WILMS TUMOR, AND GENITAL ANOMALIES; WILMS TUMOR AND PSEUDO- OR TRUE HERMAPHRODITISM. Identifiers: Orphanet 220, MedGen C0950121, MONDO:0008682, OMIM 194080.

Submission:

Labcorp Genetics (formerly Invitae), Labcorp
Classification: Uncertain significance for Wilms tumor 1; Drash syndrome; 11p partial monosomy syndrome; Frasier syndrome. Last evaluated: 2025-02-20. Review status: criteria provided, single submitter. Criteria: Invitae Variant Classification Sherloc (09022015). Collection method: clinical testing. Allele origin: germline.
Comment: This sequence change replaces alanine, which is neutral and non-polar, with glycine, which is neutral and non-polar, at codon 382 of the WT1 protein (p.Ala382Gly). This variant is not present in population databases (gnomAD no frequency). This variant has not been reported in the literature in individuals affected with WT1-related conditions. Invitae Evidence Modeling of protein sequence and biophysical properties (such as structural, functional, and spatial information, amino acid conservation, physicochemical variation, residue mobility, and thermodynamic stability) has been performed for this missense variant. However, the output from this modeling did not meet the statistical confidence thresholds required to predict the impact of this variant on WT1 protein function. In summary, the available evidence is currently insufficient to determine the role of this variant in disease. Therefore, it has been classified as a Variant of Uncertain Significance.